The following is an entry in ClinVar:

NM_001009944.3(PKD1):c.11973G>A (p.Ala3991=)

Gene: PKD1 (polycystin 1, transient receptor potential channel interacting; minus strand). Cytogenetic location: 16p13.3.
Variant type: single nucleotide variant.
Coding change: c.11973G>A on transcript NM_001009944.3 (MANE Select); coding-DNA position 11973, G replaced by A.
Protein change: p.Ala3991=; no amino-acid change (alanine 3991 retained).
Molecular consequence: synonymous variant.
Genome position (GRCh38, 1-based): chr16:2,090,914, C>T on the plus strand (G>A on the coding strand, the complement: PKD1 is on the minus strand). VCF-style: chr16-2090914-C-T. GRCh37 (hg19) VCF-style: chr16-2140915-C-T.
Other names: c.11970G>A, p.Ala3990= (NM_000296.4).
Identifiers: ClinVar variation 3341669 (VCV003341669.16).
Genomic context (GRCh38, chr16:2,090,914, plus strand): 5'-CAGCCCCGCGCCCACCGGCCCAGCCCTCACCTTGACCAAAAGCAGGAAGAGCAGCGAGGC[C>T]GCCAGGCCACGGGCTGCGGAGCTCAGCTGCGCCACCTGGTCGAAGCTAGTGAAGCGGCGC-3'
Protein context (NP_001009944.3, residues 3981-4001): AQLSSAARGL[Ala3991=]ASLLFLLLVK

ClinVar aggregate classification (germline): Likely benign (1 of 4 stars; one submission).

gnomAD v4.1: 18 of 1,590,354 alleles (0.0011%); highest among the groups gnomAD compares: East Asian, 0.0023%; no homozygotes.

Submission:

CeGaT Center for Human Genetics Tuebingen
Classification: Likely benign. Last evaluated: 2024-08-01. Review status: criteria provided, single submitter. Criteria: CeGaT Center For Human Genetics Tuebingen Variant Classification Criteria Version 2. Collection method: clinical testing. Allele origin: germline. Affected: yes. Observed: 1 variant allele.
Comment: PKD1: BP4, BP7